The following is an entry in ClinVar:

ClinVar aggregate classification (germline): Benign. Review status: criteria provided, multiple submitters, no conflicts (2 of 4 stars). 14 submissions from 14 submitters: Benign (11). 3 of the submissions do not count toward it. Last evaluated 2026-02-04.

Conditions:
Primary ciliary dyskinesia. Also called: Ciliary dyskinesia. Identifiers: Orphanet 244, MedGen C0008780, MONDO:0016575, HP:0012265.
Primary ciliary dyskinesia 3. Identifiers: Orphanet 244, MedGen C1837618, MONDO:0012085, OMIM 608644.

Allele frequency attached by ClinVar (database versions not stated): gnomAD 0.40053 and 0.40306; TOPMed 0.40960; ESP Exome Variant Server 0.41227; 1000 Genomes Project 30x 0.41568; 1000 Genomes Project 0.41913.
gnomAD v4.1: 665,994 of 1,612,042 alleles (41%); highest among the groups gnomAD compares: South Asian, 45%; 138,748 homozygotes.

Submissions (14):

Labcorp Genetics (formerly Invitae), Labcorp
Classification: Benign for Primary ciliary dyskinesia. Last evaluated: 2026-02-04. Review status: criteria provided, single submitter. Criteria: Invitae Variant Classification Sherloc (09022015). Collection method: clinical testing. Allele origin: germline.

Blueprint Genetics
Classification: Benign. Last evaluated: 2024-11-26. Review status: criteria provided, single submitter. Criteria: ACMG Guidelines, 2015. Collection method: clinical testing. Allele origin: germline.

Mayo Clinic Laboratories, Mayo Clinic
Classification: Benign. Last evaluated: 2022-04-26. Review status: criteria provided, single submitter. Criteria: ACMG Guidelines, 2015. Collection method: clinical testing. Allele origin: germline. Observed: 138 variant alleles.

Genome-Nilou Lab
Classification: Benign for Primary ciliary dyskinesia 3. Last evaluated: 2021-07-30. Review status: criteria provided, single submitter. Criteria: ACMG Guidelines, 2015. Collection method: clinical testing. Allele origin: germline. Affected: no.

Pars Genome Lab
Classification: Benign for Primary ciliary dyskinesia 3. Last evaluated: 2021-06-15. Review status: criteria provided, single submitter. Criteria: ACMG Guidelines, 2015. Collection method: clinical testing. Allele origin: germline. Affected: no.

GeneDx
Classification: Benign. Last evaluated: 2018-11-10. Review status: criteria provided, single submitter. Criteria: GeneDx Variant Classification Process June 2021. Collection method: clinical testing. Allele origin: germline. Affected: yes.

Illumina Laboratory Services, Illumina
Classification: Benign for Primary ciliary dyskinesia 3. Last evaluated: 2018-01-13. Review status: criteria provided, single submitter. Criteria: ICSL Variant Classification Criteria 13 December 2019. Collection method: clinical testing. Allele origin: germline.
Comment: This variant was observed in the ICSL laboratory as part of a predisposition screen in an ostensibly healthy population. It had not been previously curated by ICSL or reported in the Human Gene Mutation Database (HGMD: prior to June 1st, 2018), and was therefore a candidate for classification through an automated scoring system. Utilizing variant allele frequency, disease prevalence and penetrance estimates, and inheritance mode, an automated score was calculated to assess if this variant is too frequent to cause the disease. Based on the score and internal cut-off values, a variant classified as benign is not then subjected to further curation. The score for this variant resulted in a classification of benign for this disease.

Ambry Genetics
Classification: Benign for Primary ciliary dyskinesia. Last evaluated: 2014-12-10. Review status: criteria provided, single submitter. Criteria: Ambry Variant Classification Scheme 2023. Collection method: clinical testing. Allele origin: germline.

Laboratory for Molecular Medicine, Mass General Brigham Personalized Medicine
Classification: Benign. Last evaluated: 2013-02-21. Review status: criteria provided, single submitter. Criteria: LMM Criteria. Collection method: clinical testing. Allele origin: germline. Observed: 76 variant alleles.
Comment: Gly4156Gly in exon 72 of DNAH5: This variant is not expected to have clinical si gnificance because it does not alter an amino acid residue and is not located wi thin the splice consensus sequence. It has been identified in 42.4% (3649/8600) of European American chromosomes from a broad population by the NHLBI Exome Sequ encing Project (dbSNP rs30169).

Breakthrough Genomics
Classification: Benign. Review status: criteria provided, single submitter. Criteria: ACMG Guidelines, 2015. Collection method: not provided. Allele origin: germline. Inheritance: Autosomal recessive inheritance. Affected: yes.

PreventionGenetics, part of Exact Sciences
Classification: Benign. Review status: criteria provided, single submitter. Criteria: ACMG Guidelines, 2015. Collection method: clinical testing. Allele origin: germline.

Natera, Inc.
Classification: Benign for Primary ciliary dyskinesia. Last evaluated: 2020-09-16. Review status: no assertion criteria provided. Collection method: clinical testing. Allele origin: germline. Not counted in ClinVar's aggregate classification.

Clinical Genetics DNA and cytogenetics Diagnostics Lab, Erasmus MC, Erasmus Medical Center
Classification: Benign. Review status: no assertion criteria provided. Collection method: clinical testing. Allele origin: germline. Affected: yes. Study: VKGL Data-share Consensus. Not counted in ClinVar's aggregate classification.

Diagnostic Laboratory, Department of Genetics, University Medical Center Groningen
Classification: Benign. Review status: no assertion criteria provided. Collection method: clinical testing. Allele origin: germline. Affected: yes. Study: VKGL Data-share Consensus. Not counted in ClinVar's aggregate classification.

NM_001369.3(DNAH5):c.12468A>C (p.Gly4156=)

Gene: DNAH5 (dynein axonemal heavy chain 5; minus strand). Cytogenetic location: 5p15.2.
Variant type: single nucleotide variant.
Coding change: c.12468A>C on transcript NM_001369.3 (MANE Select); coding-DNA position 12468, A replaced by C.
Protein change: p.Gly4156=; no amino-acid change (glycine 4156 retained).
Molecular consequence: synonymous variant.
Genome position (GRCh38, 1-based): chr5:13,718,913, T>G on the plus strand (A>C on the coding strand, the complement: DNAH5 is on the minus strand). VCF-style: chr5-13718913-T-G. GRCh37 (hg19) VCF-style: chr5-13719022-T-G.
Other names: p.Gly4156=.
Identifiers: ClinVar variation 178742 (VCV000178742.44), dbSNP rs30169, ClinGen allele CA182921.